The following is an entry in ClinVar:

NM_000338.3(SLC12A1):c.699del (p.Ile233fs)

Gene: SLC12A1 (solute carrier family 12 member 1; plus strand). Cytogenetic location: 15q21.1.
Variant type: Deletion.
Coding change: c.699del on transcript NM_000338.3 (MANE Select); coding-DNA position 699, one base deleted (A; older notation c.699delA).
Protein change: p.Ile233fs; shifts the reading frame from isoleucine 233.
Molecular consequence: frameshift variant. On other transcripts: intron variant (2).
Genome position (GRCh38, 1-based): chr15:48,226,546, A deleted. VCF-style (leftmost placement, unchanged base first): chr15-48226545-TA-T. GRCh37 (hg19) VCF-style: chr15-48518742-TA-T.
Other names: c.724+599del (NM_001384136.1); c.629-533del (NM_001184832.2); short protein forms I233fs.
Identifiers: ClinVar variation 2735542 (VCV002735542.3), dbSNP rs2505034727, ClinGen allele CA2697549038.
Genomic context (GRCh38, chr15:48,226,545, plus strand): 5'-TTCTCATAATTCTTCTTTCCACCATGGTAACTTCTATTACTGGGTTGTCAACTTCTGCGA[TA>T]GCAACTAACGGGTTTGTTCGTGGAGGTAAAATCTCTAAGATATCTAATGCCCTCATCACT-3'

ClinVar aggregate classification (germline): Pathogenic (1 of 4 stars; one submission).

Submission:

Labcorp Genetics (formerly Invitae), Labcorp
Classification: Pathogenic. Last evaluated: 2023-07-13. Review status: criteria provided, single submitter. Criteria: Invitae Variant Classification Sherloc (09022015). Collection method: clinical testing. Allele origin: germline.
Comment: Algorithms developed to predict the effect of sequence changes on RNA splicing suggest that this variant may create or strengthen a splice site. For these reasons, this variant has been classified as Pathogenic. This variant has not been reported in the literature in individuals affected with SLC12A1-related conditions. This variant is not present in population databases (gnomAD no frequency). This sequence change creates a premature translational stop signal (p.Ile233Metfs*20) in the SLC12A1 gene. It is expected to result in an absent or disrupted protein product. Loss-of-function variants in SLC12A1 are known to be pathogenic (PMID: 8640224, 9585600, 19096086).

Literature cited by the submitters: PubMed 8640224; PubMed 9585600; PubMed 19096086.